The following is an entry in ClinVar:

NM_021096.4(CACNA1I):c.487G>A (p.Val163Ile)

Gene: CACNA1I (calcium voltage-gated channel subunit alpha1 I; plus strand). Cytogenetic location: 22q13.1.
Variant type: single nucleotide variant.
Coding change: c.487G>A on transcript NM_021096.4 (MANE Select); coding-DNA position 487, G replaced by A.
Protein change: p.Val163Ile; replaces valine 163 with isoleucine.
Molecular consequence: missense variant.
Genome position (GRCh38, 1-based): chr22:39,619,314, G>A. VCF-style: chr22-39619314-G-A. GRCh37 (hg19) VCF-style: chr22-40015319-G-A.
Other names: c.487G>A, p.Val163Ile (NM_001003406.2); short protein forms V163I.
Identifiers: ClinVar variation 5033612 (VCV005033612.1).
Genomic context (GRCh38, chr22:39,619,314, plus strand): 5'-CCCTGGCCCCAGCTGGCCTCCAGCACCATCCCTCACTCTCTCTCCTTTCTCTGCAGGATG[G>A]TCGAGTACTCCCTGGACCTTCAGAACATCAACCTGTCAGCCATCCGCACCGTGCGCGTCC-3'
Protein context (NP_066919.2, residues 153-173): LDFFIVMAGM[Val163Ile]EYSLDLQNIN

ClinVar aggregate classification (germline): Uncertain significance (1 of 4 stars; one submission).

gnomAD v4.1: 5 of 1,607,926 alleles (0.00031%); highest among the groups gnomAD compares: Admixed American, 0.0033%; no homozygotes.

Submission:

Ambry Genetics
Classification: Uncertain significance. Last evaluated: 2026-06-17. Review status: criteria provided, single submitter. Criteria: Ambry Variant Classification Scheme 2023. Collection method: clinical testing. Allele origin: germline.
Comment: The c.487G>A (p.V163I) alteration is located in exon 4 (coding exon 4) of the CACNA1I gene. This alteration results from a G to A substitution at nucleotide position 487, causing the valine (V) at amino acid position 163 to be replaced by an isoleucine (I). Based on data from gnomAD, the A allele has an overall frequency of <0.001% (0/244514) total alleles studied. The highest observed frequency was <0.001% (/) of alleles. Based on insufficient or conflicting evidence, the clinical significance of this alteration remains unclear.